The following is an entry in ClinVar:

NM_001199138.2(NLRC4):c.733T>G (p.Phe245Val)

Gene: NLRC4 (NLR family CARD domain containing 4; minus strand). Cytogenetic location: 2p22.3.
Variant type: single nucleotide variant.
Coding change: c.733T>G on transcript NM_001199138.2 (MANE Select); coding-DNA position 733, T replaced by G.
Protein change: p.Phe245Val; replaces phenylalanine 245 with valine.
Molecular consequence: missense variant. On other transcripts: intron variant (1).
Genome position (GRCh38, 1-based): chr2:32,251,131, A>C on the plus strand (T>G on the coding strand, the complement: NLRC4 is on the minus strand). VCF-style: chr2-32251131-A-C. GRCh37 (hg19) VCF-style: chr2-32476200-A-C.
Other names: c.733T>G, p.Phe245Val (NM_001199139.2, NM_021209.5); c.262+1288T>G (NM_001302504.1); short protein forms F245V.
Identifiers: ClinVar variation 1423208 (VCV001423208.7), dbSNP rs979603097, ClinGen allele CA44753558.

ClinVar aggregate classification (germline): Uncertain significance. Review status: criteria provided, multiple submitters, no conflicts (2 of 4 stars). 2 submissions from 2 submitters: Uncertain significance (2). Last evaluated 2025-06-07.

Conditions:
Familial cold autoinflammatory syndrome 4 (FCAS4). Identifiers: Orphanet 47045, Orphanet 576349, MedGen C4015276, MONDO:0014498, OMIM 616115.
Periodic fever-infantile enterocolitis-autoinflammatory syndrome. Also called: Autoinflammation with infantile enterocolitis. Identifiers: Orphanet 436166, MedGen C4015067, MONDO:0014472, OMIM 616050.
Inborn genetic diseases. Identifiers: MedGen C0950123, MeSH D030342.

Allele frequency attached by ClinVar (database versions not stated): gnomAD exomes below 0.00001 and 0.00001; TOPMed 0.00001.
gnomAD v4.1: 7 of 1,614,184 alleles (0.00043%); highest among the groups gnomAD compares: Admixed American, 0.01%; no homozygotes.

Submissions (2):

Ambry Genetics
Classification: Uncertain significance for Inborn genetic diseases. Last evaluated: 2025-06-07. Review status: criteria provided, single submitter. Criteria: Ambry Variant Classification Scheme 2023. Collection method: clinical testing. Allele origin: germline.

Labcorp Genetics (formerly Invitae), Labcorp
Classification: Uncertain significance for Periodic fever-infantile enterocolitis-autoinflammatory syndrome; Familial cold autoinflammatory syndrome 4. Last evaluated: 2024-07-01. Review status: criteria provided, single submitter. Criteria: Invitae Variant Classification Sherloc (09022015). Collection method: clinical testing. Allele origin: germline.
Comment: This sequence change replaces phenylalanine, which is neutral and non-polar, with valine, which is neutral and non-polar, at codon 245 of the NLRC4 protein (p.Phe245Val). This variant is present in population databases (no rsID available, gnomAD 0.003%). This variant has not been reported in the literature in individuals affected with NLRC4-related conditions. ClinVar contains an entry for this variant (Variation ID: 1423208). Advanced modeling of protein sequence and biophysical properties (such as structural, functional, and spatial information, amino acid conservation, physicochemical variation, residue mobility, and thermodynamic stability) performed at Invitae indicates that this missense variant is expected to disrupt NLRC4 protein function with a positive predictive value of 80%. In summary, the available evidence is currently insufficient to determine the role of this variant in disease. Therefore, it has been classified as a Variant of Uncertain Significance.